The following is an entry in ClinVar:

ClinVar aggregate classification (germline): Pathogenic (1 of 4 stars; one submission).

Conditions:
Hypercholesterolemia, autosomal dominant, 3 (FHCL3). Also called: Familial Hypercholesterolemia, Autosomal Dominant, 3; PCSK9-Related Familial Hypercholesterolemia, Autosomal Dominant; Familial hypercholesterolemia 3. Identifiers: MedGen C1863551, MONDO:0011369, OMIM 603776.

Submission:

Labcorp Genetics (formerly Invitae), Labcorp
Classification: Pathogenic for Hypercholesterolemia, autosomal dominant, 3. Last evaluated: 2022-11-05. Review status: criteria provided, single submitter. Criteria: Invitae Variant Classification Sherloc (09022015). Collection method: clinical testing. Allele origin: germline.
Comment: This variant is not present in population databases (gnomAD no frequency). This sequence change replaces serine, which is neutral and polar, with arginine, which is basic and polar, at codon 127 of the PCSK9 protein (p.Ser127Arg). This missense change has been observed in individuals with autosomal dominant familial hypercholesterolemia (PMID: 12730697, 33147992). It has also been observed to segregate with disease in related individuals. For these reasons, this variant has been classified as Pathogenic. Experimental studies have shown that this missense change affects PCSK9 function (PMID: 15358785, 27280970). Advanced modeling of protein sequence and biophysical properties (such as structural, functional, and spatial information, amino acid conservation, physicochemical variation, residue mobility, and thermodynamic stability) performed at Invitae indicates that this missense variant is expected to disrupt PCSK9 protein function. This variant is also known as nucleotide position 625.

Literature cited by the submitters: PubMed 12730697; PubMed 33147992; PubMed 15358785; PubMed 27280970.

NM_174936.4(PCSK9):c.381T>G (p.Ser127Arg)

Gene: PCSK9 (proprotein convertase subtilisin/kexin type 9; plus strand). Cytogenetic location: 1p32.3.
Variant type: single nucleotide variant.
Coding change: c.381T>G on transcript NM_174936.4 (MANE Select); coding-DNA position 381, T replaced by G.
Protein change: p.Ser127Arg; replaces serine 127 with arginine.
Molecular consequence: missense variant.
Genome position (GRCh38, 1-based): chr1:55,044,016, T>G. VCF-style: chr1-55044016-T-G. GRCh37 (hg19) VCF-style: chr1-55509689-T-G.
Other names: c.504T>G, p.Ser168Arg (NM_001407240.1); c.381T>G, p.Ser127Arg (NM_001407241.1, NM_001407242.1, NM_001407243.1 and 2 more transcripts); c.6T>G, p.Ser2Arg (NM_001407246.1); short protein forms S168R, S127R, S2R.
Identifiers: ClinVar variation 2027927 (VCV002027927.4), dbSNP rs28942111, ClinGen allele CA340483855.